The following is an entry in ClinVar:

NM_012431.3(SEMA3E):c.1735+6C>T

Gene: SEMA3E (semaphorin 3E; minus strand). Cytogenetic location: 7q21.11.
Variant type: single nucleotide variant.
Coding change: c.1735+6C>T on transcript NM_012431.3 (MANE Select); 6 bases into the intron after coding-DNA position 1735, C replaced by T.
Molecular consequence: intron variant.
Genome position (GRCh38, 1-based): chr7:83,386,977, G>A on the plus strand (C>T on the coding strand, the complement: SEMA3E is on the minus strand). VCF-style: chr7-83386977-G-A. GRCh37 (hg19) VCF-style: chr7-83016293-G-A.
Other names: c.1555+6C>T (NM_001178129.2).
Identifiers: ClinVar variation 3030625 (VCV003030625.2), dbSNP rs1367877741, ClinGen allele CA843018655.

ClinVar aggregate classification (germline): Likely benign (0 of 4 stars; one submission).

Conditions:
SEMA3E-related disorder. Also called: SEMA3E-related condition.

Allele frequency attached by ClinVar (database versions not stated): TOPMed 0.00001; gnomAD 0.00002.
gnomAD v4.1: 3 of 1,612,006 alleles (0.00019%); highest among the groups gnomAD compares: African/African-American, 0.004%; no homozygotes.

Submission:

PreventionGenetics, part of Exact Sciences
Classification: Likely benign for SEMA3E-related condition. Last evaluated: 2023-12-26. Review status: no assertion criteria provided. Collection method: clinical testing. Allele origin: germline.
Comment: This variant is classified as likely benign based on ACMG/AMP sequence variant interpretation guidelines (Richards et al. 2015 PMID: 25741868, with internal and published modifications).